The following is an entry in ClinVar:

ClinVar aggregate classification (germline): Uncertain significance (1 of 4 stars; one submission).

Conditions:
Gamma-aminobutyric acid transaminase deficiency (GABATD). Also called: GABA transaminase deficiency; Gamma aminobutyrate transaminase deficiency; 4 alpha aminobutyrate transaminase deficiency; GABA aminotransaminase deficiency. Identifiers: Orphanet 2066, MedGen C0342708, MONDO:0013166, OMIM 613163.

Allele frequency attached by ClinVar (database versions not stated): TOPMed below 0.00001.
gnomAD v4.1: 9 of 1,611,502 alleles (0.00056%); highest among the groups gnomAD compares: Non-Finnish European, 0.00076%; no homozygotes.

Submission:

Labcorp Genetics (formerly Invitae), Labcorp
Classification: Uncertain significance for Gamma-aminobutyric acid transaminase deficiency. Last evaluated: 2021-02-04. Review status: criteria provided, single submitter. Criteria: Invitae Variant Classification Sherloc (09022015). Collection method: clinical testing. Allele origin: germline.
Comment: In summary, the available evidence is currently insufficient to determine the role of this variant in disease. Therefore, it has been classified as a Variant of Uncertain Significance. Algorithms developed to predict the effect of sequence changes on RNA splicing suggest that this variant may create or strengthen a splice site, but this prediction has not been confirmed by published transcriptional studies. Algorithms developed to predict the effect of missense changes on protein structure and function (SIFT, PolyPhen-2, Align-GVGD) all suggest that this variant is likely to be tolerated, but these predictions have not been confirmed by published functional studies and their clinical significance is uncertain. This variant has not been reported in the literature in individuals with ABAT-related conditions. This variant is not present in population databases (ExAC no frequency). This sequence change replaces arginine with glutamine at codon 180 of the ABAT protein (p.Arg180Gln). The arginine residue is highly conserved and there is a small physicochemical difference between arginine and glutamine.

NM_020686.6(ABAT):c.539G>A (p.Arg180Gln)

Gene: ABAT (4-aminobutyrate aminotransferase; plus strand). Cytogenetic location: 16p13.2.
Variant type: single nucleotide variant.
Coding change: c.539G>A on transcript NM_020686.6 (MANE Select); coding-DNA position 539, G replaced by A.
Protein change: p.Arg180Gln; replaces arginine 180 with glutamine.
Molecular consequence: missense variant. On other transcripts: intron variant (1).
Genome position (GRCh38, 1-based): chr16:8,764,829, G>A. VCF-style: chr16-8764829-G-A. GRCh37 (hg19) VCF-style: chr16-8858686-G-A.
Other names: c.539G>A, p.Arg180Gln (NM_000663.5, NM_001127448.2, NM_001386600.1 and 9 more transcripts); c.404G>A, p.Arg135Gln (NM_001386610.1, NM_001386611.1, NM_001386612.1 and 1 more transcripts); c.293G>A, p.Arg98Gln (NM_001386614.1); c.635G>A, p.Arg212Gln (NM_001386615.1); c.447+680G>A (NM_001386608.1); short protein forms R180Q, R135Q, R212Q, R98Q.
Identifiers: ClinVar variation 844659 (VCV000844659.10), dbSNP rs776431473, ClinGen allele CA394688514.